The following is an entry in ClinVar:

ClinVar aggregate classification (germline): Uncertain significance (1 of 4 stars; one submission).

Conditions:
Familial thoracic aortic aneurysm and aortic dissection (TAAD). Also called: Thoracic aortic aneurysms and dissections. Identifiers: Orphanet 91387, MedGen C4707243, MONDO:0019625.

gnomAD v4.1: 3 of 1,613,734 alleles (0.00019%); highest among the groups gnomAD compares: Non-Finnish European, 0.00025%; no homozygotes.

Submission:

Ambry Genetics
Classification: Uncertain significance for Familial thoracic aortic aneurysm and aortic dissection. Last evaluated: 2025-04-02. Review status: criteria provided, single submitter. Criteria: Ambry Variant Classification Scheme 2023. Collection method: clinical testing. Allele origin: germline.
Comment: The p.S1656G variant (also known as c.4966A>G), located in coding exon 27 of the MYLK gene, results from an A to G substitution at nucleotide position 4966. The serine at codon 1656 is replaced by glycine, an amino acid with similar properties. This amino acid position is highly conserved in available vertebrate species. In addition, the in silico prediction for this alteration is inconclusive. Based on the available evidence, the clinical significance of this variant remains unclear.

NM_053025.4(MYLK):c.4966A>G (p.Ser1656Gly)

Genes: MYLK-AS1 (MYLK antisense RNA 1; plus strand), MYLK (myosin light chain kinase; minus strand), LOC126806791 (MED14-independent group 3 enhancer GRCh37_chr3:123347871-123349070; plus strand). Cytogenetic location: 3q21.1.
Variant type: single nucleotide variant.
Coding change: c.4966A>G on transcript NM_053025.4 (MANE Select); coding-DNA position 4966, A replaced by G.
Protein change: p.Ser1656Gly; replaces serine 1656 with glycine.
Molecular consequence: missense variant. On other transcripts: non-coding transcript variant (2), intron variant (2).
Genome position (GRCh38, 1-based): chr3:123,629,622, T>C on the plus strand (A>G on the coding strand, the complement: MYLK is on the minus strand). VCF-style: chr3-123629622-T-C. GRCh37 (hg19) VCF-style: chr3-123348469-T-C.
Other names: c.4438A>G, p.Ser1480Gly (NM_001321309.2); c.4759A>G, p.Ser1587Gly (NM_053026.4); c.4755-2681A>G (NM_053028.4); c.4962-2681A>G (NM_053027.4); short protein forms S1656G, S1480G, S1587G.
Identifiers: ClinVar variation 3915751 (VCV003915751.1).